The following is an entry in ClinVar:

ClinVar aggregate classification (germline): Uncertain significance (1 of 4 stars; one submission).

Conditions:
Baller-Gerold syndrome (BGS). Also called: CRANIOSYNOSTOSIS WITH RADIAL DEFECTS. Identifiers: Orphanet 1225, MedGen C0265308, MONDO:0009039, OMIM 218600.

Submission:

Labcorp Genetics (formerly Invitae), Labcorp
Classification: Uncertain significance for Baller-Gerold syndrome. Last evaluated: 2023-11-01. Review status: criteria provided, single submitter. Criteria: Invitae Variant Classification Sherloc (09022015). Collection method: clinical testing. Allele origin: germline.
Comment: This sequence change replaces arginine, which is basic and polar, with threonine, which is neutral and polar, at codon 895 of the RECQL4 protein (p.Arg895Thr). This variant is not present in population databases (gnomAD no frequency). This variant has not been reported in the literature in individuals affected with RECQL4-related conditions. ClinVar contains an entry for this variant (Variation ID: 1946953). Advanced modeling of protein sequence and biophysical properties (such as structural, functional, and spatial information, amino acid conservation, physicochemical variation, residue mobility, and thermodynamic stability) performed at Invitae indicates that this missense variant is not expected to disrupt RECQL4 protein function with a negative predictive value of 80%. In summary, the available evidence is currently insufficient to determine the role of this variant in disease. Therefore, it has been classified as a Variant of Uncertain Significance.

NM_004260.4(RECQL4):c.2684G>C (p.Arg895Thr)

Gene: RECQL4 (RecQ like helicase 4; minus strand). Cytogenetic location: 8q24.3.
Variant type: single nucleotide variant.
Coding change: c.2684G>C on transcript NM_004260.4 (MANE Select); coding-DNA position 2684, G replaced by C.
Protein change: p.Arg895Thr; replaces arginine 895 with threonine.
Molecular consequence: missense variant.
Genome position (GRCh38, 1-based): chr8:144,512,918, C>G on the plus strand (G>C on the coding strand, the complement: RECQL4 is on the minus strand). VCF-style: chr8-144512918-C-G. GRCh37 (hg19) VCF-style: chr8-145738301-C-G.
Other names: c.2390G>C, p.Arg797Thr (NM_001413017.1); c.2486G>C, p.Arg829Thr (NM_001413018.1); c.2684G>C, p.Arg895Thr (NM_001413019.1, NM_001413036.1); c.2588G>C, p.Arg863Thr (NM_001413020.1); c.1613G>C, p.Arg538Thr (NM_001413021.1, NM_001413022.1, NM_001413023.1 and 5 more transcripts); c.2555G>C, p.Arg852Thr (NM_001413025.1); c.1547G>C, p.Arg516Thr (NM_001413027.1, NM_001413041.1, NM_001413030.1 and 1 more transcripts); c.1415G>C, p.Arg472Thr (NM_001413038.1, NM_001413031.1); and 6 more; short protein forms R406T, R472T, R851T, R885T, R895T, R516T, R778T, R852T.
Identifiers: ClinVar variation 1946953 (VCV001946953.5), dbSNP rs763846344, ClinGen allele CA372675300.